The following is an entry in ClinVar:

ClinVar aggregate classification (germline): Likely pathogenic (1 of 4 stars; one submission).

Conditions:
Smith-Lemli-Opitz syndrome (SLOS). Also called: LETHAL ACRODYSGENITAL SYNDROME; POLYDACTYLY, SEX REVERSAL, RENAL HYPOPLASIA, AND UNILOBAR LUNG; RSH SYNDROME; RUTLEDGE LETHAL MULTIPLE CONGENITAL ANOMALY SYNDROME; 7-Dehydrocholesterol reductase deficiency. Identifiers: Orphanet 818, MedGen C0175694, MONDO:0010035, OMIM 270400.

Submission:

Natera, Inc.
Classification: Likely pathogenic for Smith-Lemli-Opitz syndrome. Last evaluated: 2024-07-17. Review status: criteria provided, single submitter. Criteria: Natera Variant Classification Schema (03/2026). Collection method: clinical testing. Allele origin: germline.
Comment: The c.670G>T variant in DHCR7 is a nonsense variant predicted to introduce a stop codon at amino acid 224. This variant is expected to result in nonsense mediated decay, truncation, or a dysfunctional protein product. This variant is rare in the general population with a frequency below the threshold expected for the associated phenotype(s). Given the available evidence, this variant is classified as Likely Pathogenic.

NM_001360.3(DHCR7):c.670G>T (p.Glu224Ter)

Gene: DHCR7 (7-dehydrocholesterol reductase; minus strand). Cytogenetic location: 11q13.4.
Variant type: single nucleotide variant.
Coding change: c.670G>T on transcript NM_001360.3 (MANE Select); coding-DNA position 670, G replaced by T.
Protein change: p.Glu224Ter; replaces glutamic acid 224 with a stop codon.
Molecular consequence: nonsense.
Genome position (GRCh38, 1-based): chr11:71,439,040, C>A on the plus strand (G>T on the coding strand, the complement: DHCR7 is on the minus strand). VCF-style: chr11-71439040-C-A. GRCh37 (hg19) VCF-style: chr11-71150086-C-A.
Other names: c.670G>T, p.Glu224Ter (NM_001163817.2, NM_001425120.1, NM_001425121.1 and 6 more transcripts); c.721G>T, p.Glu241Ter (NM_001425107.1); c.706G>T, p.Glu236Ter (NM_001425108.1); c.610G>T, p.Glu204Ter (NM_001425113.1); c.574G>T, p.Glu192Ter (NM_001425114.1, NM_001425116.1); c.496G>T, p.Glu166Ter (NM_001425117.1); short protein forms E166*, E192*, E204*, E224*, E236*, E241*.
Identifiers: ClinVar variation 4814835 (VCV004814835.1).
Genomic context (GRCh38, chr11:71,439,040, plus strand): 5'-CGGGGCGCCCATTGAAGAACAGCTTGAAGTCAAACCACTTCCCGATCCGAGGGTTAAACT[C>A]GATGCCCATCATGTAGTTGTAAAAGAAATTGCCTGTGAATTTGCTTAAAAATATAAATAA-3'